The following is an entry in ClinVar:

NM_020937.4(FANCM):c.5967T>G (p.Asn1989Lys)

Gene: FANCM (FA complementation group M; plus strand). Cytogenetic location: 14q21.2.
Variant type: single nucleotide variant.
Coding change: c.5967T>G on transcript NM_020937.4 (MANE Select); coding-DNA position 5967, T replaced by G.
Protein change: p.Asn1989Lys; replaces asparagine 1989 with lysine.
Molecular consequence: missense variant.
Genome position (GRCh38, 1-based): chr14:45,198,894, T>G. VCF-style: chr14-45198894-T-G. GRCh37 (hg19) VCF-style: chr14-45668097-T-G.
Other names: c.5889T>G, p.Asn1963Lys (NM_001308133.2); short protein forms N1989K, N1963K.
Identifiers: ClinVar variation 3724477 (VCV003724477.2).
Genomic context (GRCh38, chr14:45,198,894, plus strand): 5'-AAGTGAGGCACTCCAGTTTTATTTAAGTATTCCCAATATAAGTTATATAACTGCATTAAA[T>G]ATGTGTCACCAGTTTTCATCTGTGAAAAGGATGGCTAACAGGTATGTCTGTTGTAATATT-3'
Protein context (NP_065988.1, residues 1979-1999): IPNISYITAL[Asn1989Lys]MCHQFSSVKR

ClinVar aggregate classification (germline): Uncertain significance (1 of 4 stars; one submission).

Conditions:
Fanconi anemia (FA). Also called: Fanconi's anemia. Identifiers: Orphanet 84, MedGen C0015625, MeSH D005199, MONDO:0019391.

Submission:

Labcorp Genetics (formerly Invitae), Labcorp
Classification: Uncertain significance for Fanconi anemia. Last evaluated: 2025-04-14. Review status: criteria provided, single submitter. Criteria: Invitae Variant Classification Sherloc (09022015). Collection method: clinical testing. Allele origin: germline.
Comment: This sequence change replaces asparagine, which is neutral and polar, with lysine, which is basic and polar, at codon 1989 of the FANCM protein (p.Asn1989Lys). This variant is not present in population databases (gnomAD no frequency). This variant has not been reported in the literature in individuals affected with FANCM-related conditions. ClinVar contains an entry for this variant (Variation ID: 3724477). An algorithm developed to predict the effect of missense changes on protein structure and function (PolyPhen-2) suggests that this variant is likely to be disruptive. In summary, the available evidence is currently insufficient to determine the role of this variant in disease. Therefore, it has been classified as a Variant of Uncertain Significance.